The following is an entry in ClinVar:

ClinVar aggregate classification (germline): Likely benign (0 of 4 stars; one submission).

Conditions:
SLC7A6-related disorder. Also called: SLC7A6-related condition.

Allele frequency attached by ClinVar (database versions not stated): gnomAD 0.00017; ExAC 0.00020; TOPMed 0.00025; gnomAD exomes 0.00026; ESP Exome Variant Server 0.00046.
gnomAD v4.1: 399 of 1,614,094 alleles (0.025%); highest among the groups gnomAD compares: Non-Finnish European, 0.031%; no homozygotes.

Submission:

PreventionGenetics, part of Exact Sciences
Classification: Likely benign for SLC7A6-related condition. Last evaluated: 2019-06-19. Review status: no assertion criteria provided. Collection method: clinical testing. Allele origin: germline.
Comment: This variant is classified as likely benign based on ACMG/AMP sequence variant interpretation guidelines (Richards et al. 2015 PMID: 25741868, with internal and published modifications).

NM_003983.6(SLC7A6):c.429C>T (p.Ile143=)

Gene: SLC7A6 (solute carrier family 7 member 6; plus strand). Cytogenetic location: 16q22.1.
Variant type: single nucleotide variant.
Coding change: c.429C>T on transcript NM_003983.6 (MANE Select); coding-DNA position 429, C replaced by T.
Protein change: p.Ile143=; no amino-acid change (isoleucine 143 retained).
Molecular consequence: synonymous variant.
Genome position (GRCh38, 1-based): chr16:68,275,155, C>T. VCF-style: chr16-68275155-C-T. GRCh37 (hg19) VCF-style: chr16-68309058-C-T.
Other names: c.429C>T, p.Ile143= (NM_001076785.3).
Identifiers: ClinVar variation 3033234 (VCV003033234.2), dbSNP rs140250756, ClinGen allele CA8126215.